The following is an entry in ClinVar:

ClinVar aggregate classification (germline): Likely benign (1 of 4 stars; one submission).

Conditions:
Oculotrichoanal syndrome (MOTA). Also called: MARLES SYNDROME; Manitoba Oculotrichoanal (MOTA) Syndrome. Identifiers: Orphanet 2717, MedGen C1855425, MONDO:0009560, OMIM 248450.

Allele frequency attached by ClinVar (database versions not stated): gnomAD 0.00016 and 0.00025; 1000 Genomes Project 30x 0.00172; 1000 Genomes Project 0.00200; TOPMed 0.00038.

Submission:

Illumina Laboratory Services, Illumina
Classification: Likely benign for Oculotrichoanal syndrome. Last evaluated: 2018-01-12. Review status: criteria provided, single submitter. Criteria: ICSL Variant Classification Criteria 13 December 2019. Collection method: clinical testing. Allele origin: germline.
Comment: This variant was observed in the ICSL laboratory as part of a predisposition screen in an ostensibly healthy population. It had not been previously curated by ICSL or reported in the Human Gene Mutation Database (HGMD: prior to June 1st, 2018), and was therefore a candidate for classification through an automated scoring system. Utilizing variant allele frequency, disease prevalence and penetrance estimates, and inheritance mode, an automated score was calculated to assess if this variant is too frequent to cause the disease. Based on the score and internal cut-off values, a variant classified as likely benign is not then subjected to further curation. The score for this variant resulted in a classification of likely benign for this disease.

NM_144966.5(FREM1):c.*1844G>A

Gene: FREM1 (FRAS1 related extracellular matrix 1; minus strand). Cytogenetic location: 9p22.3.
Variant type: single nucleotide variant.
Coding change: c.*1844G>A on transcript NM_144966.5; 1844 bases downstream of the stop codon, G replaced by A.
Genome position (GRCh38, 1-based): chr9:14,735,552, C>T on the plus strand (G>A on the coding strand, the complement: FREM1 is on the minus strand). VCF-style: chr9-14735552-C-T. GRCh37 (hg19) VCF-style: chr9-14735550-C-T.
Identifiers: ClinVar variation 914053 (VCV000914053.6), dbSNP rs10961688, ClinGen allele CA189355859.